The following is an entry in ClinVar:

NM_000455.5(STK11):c.28G>C (p.Gly10Arg)

Gene: STK11 (serine/threonine kinase 11; plus strand). Cytogenetic location: 19p13.3.
Variant type: single nucleotide variant.
Coding change: c.28G>C on transcript NM_000455.5 (MANE Select); coding-DNA position 28, G replaced by C.
Protein change: p.Gly10Arg; replaces glycine 10 with arginine.
Molecular consequence: missense variant. On other transcripts: non-coding transcript variant (1).
Genome position (GRCh38, 1-based): chr19:1,206,941, G>C. VCF-style: chr19-1206941-G-C. GRCh37 (hg19) VCF-style: chr19-1206940-G-C.
Other names: c.28G>C, p.Gly10Arg (NM_001407255.1); short protein forms G10R.
Identifiers: ClinVar variation 3231744 (VCV003231744.1), dbSNP rs2145404498, ClinGen allele CA402943107.
Genomic context (GRCh38, chr19:1,206,941, plus strand): 5'-CTGGCGGCGGGACTCCAGGACCCTGGGTCCAGCATGGAGGTGGTGGACCCGCAGCAGCTG[G>C]GCATGTTCACGGAGGGCGAGCTGATGTCGGTGGGTATGGACACGTTCATCCACCGCATCG-3'
Protein context (NP_000446.1, residues 1-20): MEVVDPQQL[Gly10Arg]MFTEGELMSV

ClinVar aggregate classification (germline): Uncertain significance (1 of 4 stars; one submission).

Conditions:
Hereditary cancer-predisposing syndrome. Also called: Neoplastic Syndromes, Hereditary; Tumor predisposition; Hereditary neoplastic syndrome; Hereditary Cancer Syndrome. Identifiers: Orphanet 140162, MedGen C0027672, MeSH D009386, MONDO:0015356.

Submission:

Ambry Genetics
Classification: Uncertain significance for Hereditary cancer-predisposing syndrome. Last evaluated: 2023-10-20. Review status: criteria provided, single submitter. Criteria: Ambry Variant Classification Scheme 2023. Collection method: clinical testing. Allele origin: germline.
Comment: The p.G10R variant (also known as c.28G>C), located in coding exon 1 of the STK11 gene, results from a G to C substitution at nucleotide position 28. The glycine at codon 10 is replaced by arginine, an amino acid with dissimilar properties. This amino acid position is conserved. In addition, this alteration is predicted to be tolerated by in silico analysis. Since supporting evidence is limited at this time, the clinical significance of this alteration remains unclear.